The following is an entry in ClinVar:

NM_014283.5(SUCO):c.2209A>G (p.Ile737Val)

Gene: SUCO (SUN domain containing ossification factor; plus strand). Cytogenetic location: 1q24.3.
Variant type: single nucleotide variant.
Coding change: c.2209A>G on transcript NM_014283.5 (MANE Select); coding-DNA position 2209, A replaced by G.
Protein change: p.Ile737Val; replaces isoleucine 737 with valine.
Molecular consequence: missense variant. On other transcripts: intron variant (1).
Genome position (GRCh38, 1-based): chr1:172,589,310, A>G. VCF-style: chr1-172589310-A-G. GRCh37 (hg19) VCF-style: chr1-172558450-A-G.
Other names: c.520A>G, p.Ile174Val (NM_001282751.2); c.1712+386A>G (NM_001282750.2); c.2662A>G, p.Ile888Val (NM_016227.4); short protein forms I174V, I888V, I737V.
Identifiers: ClinVar variation 3677787 (VCV003677787.2).

ClinVar aggregate classification (germline): Uncertain significance (1 of 4 stars; one submission).

gnomAD v4.1: 6 of 1,613,462 alleles (0.00037%); highest among the groups gnomAD compares: Admixed American, 0.0033%; no homozygotes.

Submission:

Labcorp Genetics (formerly Invitae), Labcorp
Classification: Uncertain significance. Last evaluated: 2025-01-22. Review status: criteria provided, single submitter. Criteria: Invitae Variant Classification Sherloc (09022015). Collection method: clinical testing. Allele origin: germline.
Comment: This sequence change replaces isoleucine, which is neutral and non-polar, with valine, which is neutral and non-polar, at codon 737 of the SUCO protein (p.Ile737Val). This variant is present in population databases (rs769659561, gnomAD 0.006%). This variant has not been reported in the literature in individuals affected with SUCO-related conditions. An algorithm developed to predict the effect of missense changes on protein structure and function outputs the following: PolyPhen-2: "Benign". The valine amino acid residue is found in multiple mammalian species, which suggests that this missense change does not adversely affect protein function. In summary, the available evidence is currently insufficient to determine the role of this variant in disease. Therefore, it has been classified as a Variant of Uncertain Significance.